The following is an entry in ClinVar:

NM_139318.5(KCNH5):c.1096A>G (p.Ile366Val)

Gene: KCNH5 (potassium voltage-gated channel subfamily H member 5; minus strand). Cytogenetic location: 14q23.2.
Variant type: single nucleotide variant.
Coding change: c.1096A>G on transcript NM_139318.5 (MANE Select); coding-DNA position 1096, A replaced by G.
Protein change: p.Ile366Val; replaces isoleucine 366 with valine.
Molecular consequence: missense variant.
Genome position (GRCh38, 1-based): chr14:62,950,406, T>C on the plus strand (A>G on the coding strand, the complement: KCNH5 is on the minus strand). VCF-style: chr14-62950406-T-C. GRCh37 (hg19) VCF-style: chr14-63417124-T-C.
Other names: c.1096A>G, p.Ile366Val (NM_172375.3); short protein forms I366V.
Identifiers: ClinVar variation 2142120 (VCV002142120.4), dbSNP rs1162598755, ClinGen allele CA390103282.

ClinVar aggregate classification (germline): Uncertain significance (1 of 4 stars; one submission).

Conditions:
Early-infantile DEE. Also called: Early infantile epileptic encephalopathy; Ohtahara syndrome; Early infantile epileptic encephalopathy with suppression bursts. Identifiers: Orphanet 1934, MedGen C0393706, MONDO:0800491.

Allele frequency attached by ClinVar (database versions not stated): gnomAD exomes below 0.00001.
gnomAD v4.1: 7 of 1,614,016 alleles (0.00043%); highest among the groups gnomAD compares: South Asian, 0.0033%; no homozygotes.

Submission:

Labcorp Genetics (formerly Invitae), Labcorp
Classification: Uncertain significance for Early-infantile DEE. Last evaluated: 2022-04-01. Review status: criteria provided, single submitter. Criteria: Invitae Variant Classification Sherloc (09022015). Collection method: clinical testing. Allele origin: germline.
Comment: Advanced modeling of protein sequence and biophysical properties (such as structural, functional, and spatial information, amino acid conservation, physicochemical variation, residue mobility, and thermodynamic stability) performed at Invitae indicates that this missense variant is not expected to disrupt KCNH5 protein function. In summary, the available evidence is currently insufficient to determine the role of this variant in disease. Therefore, it has been classified as a Variant of Uncertain Significance. This variant has not been reported in the literature in individuals affected with KCNH5-related conditions. This variant is present in population databases (no rsID available, gnomAD 0.003%). This sequence change replaces isoleucine, which is neutral and non-polar, with valine, which is neutral and non-polar, at codon 366 of the KCNH5 protein (p.Ile366Val).